The following is an entry in ClinVar:

ClinVar aggregate classification (germline): Uncertain significance (1 of 4 stars; one submission).

Conditions:
Combined oxidative phosphorylation defect type 27. Also called: Combined oxidative phosphorylation deficiency 27. Identifiers: Orphanet 477774, MedGen C5567608, MONDO:0014728, OMIM 616672.

Submission:

Labcorp Genetics (formerly Invitae), Labcorp
Classification: Uncertain significance for Combined oxidative phosphorylation defect type 27. Last evaluated: 2020-06-17. Review status: criteria provided, single submitter. Criteria: Invitae Variant Classification Sherloc (09022015). Collection method: clinical testing. Allele origin: germline.
Comment: This sequence change replaces serine with glycine at codon 544 of the CARS2 protein (p.Ser544Gly). The serine residue is weakly conserved and there is a small physicochemical difference between serine and glycine. This variant is not present in population databases (ExAC no frequency). This variant has not been reported in the literature in individuals with CARS2-related conditions. Algorithms developed to predict the effect of missense changes on protein structure and function output the following: SIFT: "Tolerated"; PolyPhen-2: "Benign"; Align-GVGD: "Class C0". The glycine amino acid residue is found in multiple mammalian species, suggesting that this missense change does not adversely affect protein function. These predictions have not been confirmed by published functional studies and their clinical significance is uncertain. In summary, the available evidence is currently insufficient to determine the role of this variant in disease. Therefore, it has been classified as a Variant of Uncertain Significance.

NM_024537.4(CARS2):c.1630A>G (p.Ser544Gly)

Gene: CARS2 (cysteinyl-tRNA synthetase 2, mitochondrial; minus strand). Cytogenetic location: 13q34.
Variant type: single nucleotide variant.
Coding change: c.1630A>G on transcript NM_024537.4 (MANE Select); coding-DNA position 1630, A replaced by G.
Protein change: p.Ser544Gly; replaces serine 544 with glycine.
Molecular consequence: missense variant. On other transcripts: non-coding transcript variant (2).
Genome position (GRCh38, 1-based): chr13:110,641,602, T>C on the plus strand (A>G on the coding strand, the complement: CARS2 is on the minus strand). VCF-style: chr13-110641602-T-C. GRCh37 (hg19) VCF-style: chr13-111293949-T-C.
Other names: c.844A>G, p.Ser282Gly (NM_001352252.2); short protein forms S282G, S544G.
Identifiers: ClinVar variation 1016036 (VCV001016036.8), dbSNP rs1887297938, ClinGen allele CA388739177.
Genomic context (GRCh38, chr13:110,641,602, plus strand): 5'-CCGCTGATTTTTGGTCTTTTGTCCTTTGATCCAGCAGTTCCCACGTGGATGTTGTACTGC[T>C]TCTGTCCTGGAGAAGAAGAGTGAGGTCCAACTCTGAGCAGACACCACGTCATGTGGCACA-3'
Protein context (NP_078813.1, residues 534-554): TAHGINIKDR[Ser544Gly]STTSTWELLD